The following is an entry in ClinVar:

NM_000048.4(ASL):c.446+3G>C

Gene: ASL (argininosuccinate lyase; plus strand). Cytogenetic location: 7q11.21.
Variant type: single nucleotide variant.
Coding change: c.446+3G>C on transcript NM_000048.4 (MANE Select); 3 bases into the intron after coding-DNA position 446, G replaced by C.
Molecular consequence: intron variant.
Genome position (GRCh38, 1-based): chr7:66,083,177, G>C. VCF-style: chr7-66083177-G-C. GRCh37 (hg19) VCF-style: chr7-65548164-G-C.
Other names: c.446+3G>C (NM_001024943.2, NM_001024944.2, NM_001024946.2).
Identifiers: ClinVar variation 2802767 (VCV002802767.3), dbSNP rs2484998509, ClinGen allele CA2739265472.
Genomic context (GRCh38, chr7:66,083,177, plus strand): 5'-CCACGCTCTCGGGCCTCCTCTGGGAGCTCATTAGGACCATGGTGGATCGGGCAGAGGCGT[G>C]AGTCCTACAGGGACACCCAGGGGGCAGACAGAGGTGTGATGGAAGCCTGAACAGGAGACC-3'

ClinVar aggregate classification (germline): Uncertain significance (1 of 4 stars; one submission).

Conditions:
Argininosuccinate lyase deficiency. Also called: ARGININOSUCCINIC ACID LYASE DEFICIENCY; ASL DEFICIENCY; Argininosuccinic aciduria. Identifiers: Orphanet 23, MedGen C0268547, MONDO:0008815, OMIM 207900, HP:0025630.

Submission:

Labcorp Genetics (formerly Invitae), Labcorp
Classification: Uncertain significance for Argininosuccinate lyase deficiency. Last evaluated: 2023-11-13. Review status: criteria provided, single submitter. Criteria: Invitae Variant Classification Sherloc (09022015). Collection method: clinical testing. Allele origin: germline.
Comment: This sequence change falls in intron 6 of the ASL gene. It does not directly change the encoded amino acid sequence of the ASL protein. It affects a nucleotide within the consensus splice site. This variant is not present in population databases (gnomAD no frequency). This variant has been observed in individual(s) with argininosuccinate lyase deficiency (Invitae). Variants that disrupt the consensus splice site are a relatively common cause of aberrant splicing (PMID: 17576681, 9536098). Algorithms developed to predict the effect of sequence changes on RNA splicing suggest that this variant may disrupt the consensus splice site. In summary, the available evidence is currently insufficient to determine the role of this variant in disease. Therefore, it has been classified as a Variant of Uncertain Significance.

Literature cited by the submitters: PubMed 17576681; PubMed 9536098.